The following is an entry in ClinVar:

ClinVar aggregate classification (germline): Uncertain significance. Review status: criteria provided, multiple submitters, no conflicts (2 of 4 stars). 4 submissions from 4 submitters: Uncertain significance (4). Last evaluated 2025-12-29.

Conditions:
CEP164-related disorder. Also called: CEP164-related condition.
Nephronophthisis 15 (NPHP15). Identifiers: Orphanet 3156, MedGen C3541853, MONDO:0013917, OMIM 614845.

Submissions (4):

PreventionGenetics, part of Exact Sciences
Classification: Uncertain significance for CEP164-related condition. Last evaluated: 2025-12-29. Review status: criteria provided, single submitter. Criteria: ACMG Guidelines, 2015. Collection method: clinical testing. Allele origin: germline.
Comment: The CEP164 c.644_646delGAG variant is predicted to result in an in-frame deletion (p.Gly215del). To our knowledge, this variant has not been reported in the literature. This variant is reported in 0.0054% of alleles in individuals of East Asian descent in gnomAD. At this time, the clinical significance of this variant is uncertain due to the absence of conclusive functional and genetic evidence.

Labcorp Genetics (formerly Invitae), Labcorp
Classification: Uncertain significance for Nephronophthisis 15. Last evaluated: 2024-11-11. Review status: criteria provided, single submitter. Criteria: Invitae Variant Classification Sherloc (09022015). Collection method: clinical testing. Allele origin: germline.
Comment: This variant, c.644_646del, results in the deletion of 1 amino acid(s) of the CEP164 protein (p.Gly215del), but otherwise preserves the integrity of the reading frame. This variant is present in population databases (rs759774330, gnomAD 0.005%). This variant has not been reported in the literature in individuals affected with CEP164-related conditions. ClinVar contains an entry for this variant (Variation ID: 1027914). Experimental studies and prediction algorithms are not available or were not evaluated, and the functional significance of this variant is currently unknown. In summary, the available evidence is currently insufficient to determine the role of this variant in disease. Therefore, it has been classified as a Variant of Uncertain Significance.

Fulgent Genetics
Classification: Uncertain significance for Nephronophthisis 15. Last evaluated: 2022-03-03. Review status: criteria provided, single submitter. Criteria: ACMG Guidelines, 2015. Collection method: clinical testing. Allele origin: unknown.

Baylor Genetics
Classification: Uncertain significance for Nephronophthisis 15. Last evaluated: 2019-04-29. Review status: criteria provided, single submitter. Criteria: ACMG Guidelines, 2015. Collection method: clinical testing. Allele origin: paternal. Affected: yes.
Comment: This variant was determined to be of uncertain significance according to ACMG Guidelines, 2015 [PMID:25741868].

NM_014956.5(CEP164):c.644_646del (p.Gly215del)

Gene: CEP164 (centrosomal protein 164; plus strand). Cytogenetic location: 11q23.3.
Variant type: Deletion.
Coding change: c.644_646del on transcript NM_014956.5 (MANE Select); coding-DNA positions 644 to 646, 3 bases deleted (GAG; older notation c.644_646delGAG).
Protein change: p.Gly215del; deletes glycine 215.
Molecular consequence: inframe deletion.
Genome position (GRCh38, 1-based): chr11:117,362,495-117,362,497, GAG deleted; deleting any 3 consecutive bases within chr11:117,362,493-117,362,497 gives the same sequence; the c. name uses the placement nearest the transcript's 3' end. VCF-style (leftmost placement, unchanged base first): chr11-117362492-TAGG-T. GRCh37 (hg19) VCF-style: chr11-117233208-TAGG-T.
Other names: c.644_646del, p.Gly215del (NM_001271933.2); short protein forms G215del.
Identifiers: ClinVar variation 1027914 (VCV001027914.9), dbSNP rs759774330, ClinGen allele CA6294540.
Genomic context (GRCh38, chr11:117,362,492, plus strand): 5'-ATACAAAGGGTCTCTTGGGCTCCATATATGAGGACAAGACTGCTCTCAGCCTCTTGGGTT[TAGG>T]AGAAGAAACCAATGAGGAGGATGAGGAGGAAAGTGACAACCAGGTAATGATGAAGTCCTC-3'